The following is an entry in ClinVar:

NM_016151.4(TAOK2):c.3260G>C (p.Arg1087Pro)

Gene: TAOK2 (TAO kinase 2; plus strand). Cytogenetic location: 16p11.2.
Variant type: single nucleotide variant.
Coding change: c.3260G>C on transcript NM_016151.4 (MANE Select); coding-DNA position 3260, G replaced by C.
Protein change: p.Arg1087Pro; replaces arginine 1087 with proline.
Molecular consequence: missense variant. On other transcripts: intron variant (1).
Genome position (GRCh38, 1-based): chr16:29,987,532, G>C. VCF-style: chr16-29987532-G-C. GRCh37 (hg19) VCF-style: chr16-29998853-G-C.
Other names: c.2921G>C, p.Arg974Pro (NM_001252043.2); c.2232+1028G>C (NM_004783.4); short protein forms R1087P, R974P.
Identifiers: ClinVar variation 1514220 (VCV001514220.6), dbSNP rs925207056, ClinGen allele CA395499657.

ClinVar aggregate classification (germline): Uncertain significance (1 of 4 stars; one submission).

Submission:

Labcorp Genetics (formerly Invitae), Labcorp
Classification: Uncertain significance. Last evaluated: 2022-06-20. Review status: criteria provided, single submitter. Criteria: Invitae Variant Classification Sherloc (09022015). Collection method: clinical testing. Allele origin: germline.
Comment: This variant is not present in population databases (gnomAD no frequency). In summary, the available evidence is currently insufficient to determine the role of this variant in disease. Therefore, it has been classified as a Variant of Uncertain Significance. Algorithms developed to predict the effect of missense changes on protein structure and function are either unavailable or do not agree on the potential impact of this missense change (SIFT: "Tolerated"; PolyPhen-2: "Probably Damaging"; Align-GVGD: "Class C0"). This variant has not been reported in the literature in individuals affected with TAOK2-related conditions. This sequence change replaces arginine, which is basic and polar, with proline, which is neutral and non-polar, at codon 1087 of the TAOK2 protein (p.Arg1087Pro).